The following is an entry in ClinVar:

ClinVar aggregate classification (germline): Benign; other. Review status: criteria provided, multiple submitters, no conflicts (2 of 4 stars). 20 submissions from 20 submitters: Benign (9). 9 of the submissions do not count toward it. Last evaluated 2026-06-08.

Conditions:
Metachromatic leukodystrophy (MLD). Also called: METACHROMATIC LEUKOENCEPHALOPATHY; Arylsulfatase A Deficiency; ARSA DEFICIENCY; SULFATIDE LIPIDOSIS; CEREBROSIDE SULFATASE DEFICIENCY; Cerebral sclerosis diffuse metachromatic form. Identifiers: Orphanet 512, MedGen C0023522, MONDO:0018868, OMIM 250100.
ARYLSULFATASE A PSEUDODEFICIENCY. Identifiers: MedGen C4017091.

Allele frequency attached by ClinVar (database versions not stated): 1000 Genomes Project 0.04992; 1000 Genomes Project 30x 0.05137; gnomAD 0.05120 and 0.05347; gnomAD exomes 0.07564; TOPMed 0.05159.
gnomAD v4.1: 98,121 of 1,343,902 alleles (7.3%); highest among the groups gnomAD compares: Middle Eastern, 13%; 4,090 homozygotes.

Submissions (20):

Women's Health and Genetics/Laboratory Corporation of America, LabCorp
Classification: Benign. Last evaluated: 2026-06-08. Review status: criteria provided, single submitter. Criteria: LabCorp Variant Classification Summary - May 2015. Collection method: clinical testing. Allele origin: germline.
Comment: Variant summary: ARSA c.*96A>G is located in the untranslated mRNA region downstream of the termination codon within the first polyadenylylation signal. The variant allele was found at a frequency of 0.073 in 1343902 control chromosomes, predominantly at a frequency of 0.11 within the South Asian subpopulation in the gnomAD database, including 516 homozygotes. The observed variant frequency within South Asian control individuals in the gnomAD database exceeds the estimated maximal expected allele frequency for disease-causing variants in ARSA. To our knowledge, no penetrant association of c.*96A>G in individuals affected with ARSA-related conditions has been reported. It has been described as a pseudodeficiency allele and functional studies show that the variant results in dimished transcription levels, producing a protein that retains similar enzyme activity to the wildtype enzyme (e.g. Gieselmann_1989, Regis_2022). The following publications have been ascertained in the context of this evaluation (PMID: 2574462, 11941485). ClinVar contains an entry for this variant (Variation ID: 3049). Based on the evidence outlined above, the variant was classified as benign.

Department of Pathology and Laboratory Medicine, Sinai Health System
Classification: Benign for metachromatic leukodystrophy. Last evaluated: 2023-02-06. Review status: criteria provided, single submitter. Criteria: ACMG Guidelines, 2015. Collection method: research. Allele origin: germline.

GeneDx
Classification: Benign. Last evaluated: 2021-11-11. Review status: criteria provided, single submitter. Criteria: GeneDx Variant Classification Process June 2021. Collection method: clinical testing. Allele origin: germline. Affected: yes.
Comment: This variant is associated with the following publications: (PMID: 30026549, 26577183, 21648305, 2574462, 8897113, 8095918, 29961769)

Genome-Nilou Lab
Classification: Benign for Metachromatic leukodystrophy. Last evaluated: 2021-06-10. Review status: criteria provided, single submitter. Criteria: ACMG Guidelines, 2015. Collection method: clinical testing. Allele origin: germline. Affected: no.

Mendelics
Classification: Benign for Metachromatic leukodystrophy. Last evaluated: 2019-05-28. Review status: criteria provided, single submitter. Criteria: Mendelics Assertion Criteria 2017. Collection method: clinical testing. Allele origin: unknown.

Labcorp Genetics (formerly Invitae), Labcorp
Classification: other for Metachromatic leukodystrophy. Last evaluated: 2019-01-08. Review status: criteria provided, single submitter. Criteria: Invitae Variant Classification Sherloc (09022015). Collection method: clinical testing. Allele origin: germline.

Eurofins Ntd Llc (ga)
Classification: other. Last evaluated: 2018-07-24. Review status: criteria provided, single submitter. Criteria: EGL ClinVar v180209 classification definitions. Collection method: clinical testing. Allele origin: germline. Observed: 182 variant alleles, 167 heterozygotes, 11 homozygotes.

Illumina Laboratory Services, Illumina
Classification: Benign for Metachromatic leukodystrophy. Last evaluated: 2018-03-06. Review status: criteria provided, single submitter. Criteria: ICSL Variant Classification Criteria 13 December 2019. Collection method: clinical testing. Allele origin: germline.
Comment: This variant was observed in the ICSL laboratory as part of a predisposition screen in an ostensibly healthy population. It had not been previously curated by ICSL or reported in the Human Gene Mutation Database (HGMD: prior to June 1st, 2018), and was therefore a candidate for classification through an automated scoring system. Utilizing variant allele frequency, disease prevalence and penetrance estimates, and inheritance mode, an automated score was calculated to assess if this variant is too frequent to cause the disease. Based on the score and internal cut-off values, a variant classified as benign is not then subjected to further curation. The score for this variant resulted in a classification of benign for this disease.

Center for Pediatric Genomic Medicine, Children's Mercy Hospital and Clinics
Classification: Benign. Last evaluated: 2016-10-11. Review status: criteria provided, single submitter. Criteria: ACMG Guidelines, 2015. Collection method: clinical testing. Allele origin: germline.

Breakthrough Genomics
Classification: Benign. Review status: criteria provided, single submitter. Criteria: ACMG Guidelines, 2015. Collection method: not provided. Allele origin: germline. Inheritance: Autosomal recessive inheritance. Affected: yes.

PreventionGenetics, part of Exact Sciences
Classification: Benign. Review status: criteria provided, single submitter. Criteria: ACMG Guidelines, 2015. Collection method: clinical testing. Allele origin: germline.

Natera, Inc.
Classification: Uncertain significance for Metachromatic leukodystrophy. Last evaluated: 2020-01-07. Review status: no assertion criteria provided. Collection method: clinical testing. Allele origin: germline. Not counted in ClinVar's aggregate classification.

SingHealth Duke-NUS Institute of Precision Medicine
Classification: Uncertain significance for Metachromatic leukodystrophy. Last evaluated: 2017-06-07. Review status: no assertion criteria provided. Collection method: curation. Allele origin: germline. Affected: no. Not counted in ClinVar's aggregate classification.

OMIM
Classification: Pathogenic for ARYLSULFATASE A PSEUDODEFICIENCY. Last evaluated: 1998-08-01. Review status: no assertion criteria provided. Collection method: literature only. Allele origin: germline. Not counted in ClinVar's aggregate classification.

Clinical Genetics DNA and cytogenetics Diagnostics Lab, Erasmus MC, Erasmus Medical Center
Classification: Benign. Review status: no assertion criteria provided. Collection method: clinical testing. Allele origin: germline. Affected: yes. Study: VKGL Data-share Consensus. Not counted in ClinVar's aggregate classification.

Clinical Genetics, Academic Medical Center
Classification: Likely benign. Review status: no assertion criteria provided. Collection method: clinical testing. Allele origin: germline. Affected: yes. Study: VKGL Data-share Consensus. Not counted in ClinVar's aggregate classification.

Diagnostic Laboratory, Department of Genetics, University Medical Center Groningen
Classification: Benign. Review status: no assertion criteria provided. Collection method: clinical testing. Allele origin: germline. Affected: yes. Study: VKGL Data-share Consensus. Not counted in ClinVar's aggregate classification.

GeneReviews
No classification provided. Condition: Metachromatic leukodystrophy. Review status: no classification provided. Collection method: literature only. Allele origin: germline. Not counted in ClinVar's aggregate classification.

Genome Diagnostics Laboratory, University Medical Center Utrecht
Classification: Benign. Review status: no assertion criteria provided. Collection method: clinical testing. Allele origin: germline. Affected: yes. Study: VKGL Data-share Consensus. Not counted in ClinVar's aggregate classification.

Joint Genome Diagnostic Labs from Nijmegen and Maastricht, Radboudumc and MUMC+
Classification: Benign. Review status: no assertion criteria provided. Collection method: clinical testing. Allele origin: germline. Affected: yes. Study: VKGL Data-share Consensus. Not counted in ClinVar's aggregate classification.

Literature cited by the submitters: PubMed 2574462 (cited by Women's Health and Genetics/Laboratory Corporation of America, LabCorp); PubMed 11941485 (cited by Women's Health and Genetics/Laboratory Corporation of America, LabCorp); PubMed 7866401 (cited by OMIM); PubMed 1674719 (cited by OMIM); PubMed 7815433 (cited by OMIM); PubMed 1357970 (cited by OMIM); PubMed 9668161 (cited by OMIM); NCBI Bookshelf NBK1130 (cited by GeneReviews).

NM_000487.6(ARSA):c.*96A>G

Gene: ARSA (arylsulfatase A; minus strand). Cytogenetic location: 22q13.33.
Variant type: single nucleotide variant.
Coding change: c.*96A>G on transcript NM_000487.6 (MANE Select); 96 bases downstream of the stop codon, A replaced by G.
Molecular consequence: 3 prime UTR variant.
Genome position (GRCh38, 1-based): chr22:50,625,049, T>C on the plus strand (A>G on the coding strand, the complement: ARSA is on the minus strand). VCF-style: chr22-50625049-T-C. GRCh37 (hg19) VCF-style: chr22-51063477-T-C.
Other names: ARSA, MUTATION IN POLYADENYLATION SIGNAL; c.*96A>G (NM_001085425.3, NM_001085426.3, NM_001085427.3 and 2 more transcripts).
Identifiers: ClinVar variation 3049 (VCV000003049.36), dbSNP rs6151429, ClinGen allele CA115953.
Genomic context (GRCh38, chr22:50,625,049, plus strand): 5'-CACACAGCATTACCCCAGGATTGGACGAATTGTCACATCTGCAAGTCTCCACTGGTGTTA[T>C]TACGTTATCAGGCACAAACCCCCTCCAGACACCTGAGCCTCCCCCACAGGCTCCCAGTGA-3'